The following is an entry in ClinVar:

ClinVar aggregate classification (germline): Uncertain significance. Review status: criteria provided, single submitter (1 of 4 stars). 2 submissions from 2 submitters: Uncertain significance (1). 1 of the submissions does not count toward it. Last evaluated 2022-10-13.

Conditions:
Meckel-Gruber syndrome. Also called: Dysencephalia splachnocystica; DYSENCEPHALIA SPLANCHNOCYSTICA; GRUBER SYNDROME. Identifiers: Orphanet 564, MedGen C0265215, MONDO:0018921.
Joubert syndrome. Also called: Familial aplasia of the vermis; CEREBELLOPARENCHYMAL DISORDER IV; JOUBERT-BOLTSHAUSER SYNDROME. Identifiers: Orphanet 475, MedGen C5979921, MONDO:0018772.
Meckel syndrome, type 1 (MKS1). Also called: MECKEL-GRUBER SYNDROME, TYPE 1. Identifiers: Orphanet 564, MedGen C3714506, MONDO:0009571, OMIM 249000.

Allele frequency attached by ClinVar (database versions not stated): ExAC 0.00001; gnomAD exomes 0.00001.
gnomAD v4.1: 14 of 1,614,110 alleles (0.00087%); highest among the groups gnomAD compares: South Asian, 0.0022%; no homozygotes.

Submissions (2):

Labcorp Genetics (formerly Invitae), Labcorp
Classification: Uncertain significance for Joubert syndrome; Meckel-Gruber syndrome. Last evaluated: 2022-10-13. Review status: criteria provided, single submitter. Criteria: Invitae Variant Classification Sherloc (09022015). Collection method: clinical testing. Allele origin: germline.
Comment: This sequence change replaces arginine, which is basic and polar, with glutamine, which is neutral and polar, at codon 279 of the MKS1 protein (p.Arg279Gln). This variant is present in population databases (rs747504986, gnomAD 0.007%). This variant has not been reported in the literature in individuals affected with MKS1-related conditions. ClinVar contains an entry for this variant (Variation ID: 940351). Advanced modeling of protein sequence and biophysical properties (such as structural, functional, and spatial information, amino acid conservation, physicochemical variation, residue mobility, and thermodynamic stability) performed at Invitae indicates that this missense variant is not expected to disrupt MKS1 protein function. In summary, the available evidence is currently insufficient to determine the role of this variant in disease. Therefore, it has been classified as a Variant of Uncertain Significance.

Natera, Inc.
Classification: Uncertain significance for Meckel syndrome type 1. Last evaluated: 2020-01-24. Review status: no assertion criteria provided. Collection method: clinical testing. Allele origin: germline. Not counted in ClinVar's aggregate classification.

NM_017777.4(MKS1):c.836G>A (p.Arg279Gln)

Gene: MKS1 (MKS transition zone complex subunit 1; minus strand). Cytogenetic location: 17q22.
Variant type: single nucleotide variant.
Coding change: c.836G>A on transcript NM_017777.4 (MANE Select); coding-DNA position 836, G replaced by A.
Protein change: p.Arg279Gln; replaces arginine 279 with glutamine.
Molecular consequence: missense variant.
Genome position (GRCh38, 1-based): chr17:58,213,004, C>T on the plus strand (G>A on the coding strand, the complement: MKS1 is on the minus strand). VCF-style: chr17-58213004-C-T. GRCh37 (hg19) VCF-style: chr17-56290365-C-T.
Other names: c.227G>A, p.Arg76Gln (NM_001321268.2); c.836G>A, p.Arg279Gln (NM_001321269.2, NM_001330397.2); short protein forms R76Q, R279Q.
Identifiers: ClinVar variation 940351 (VCV000940351.8), dbSNP rs747504986, ClinGen allele CA8669395.
Genomic context (GRCh38, chr17:58,213,004, plus strand): 5'-GCTCATCCCTTGGATACTTGGAATGAACTTGCGCTTACATCCTTGAACACTCGCCGTTCC[C>T]GCTCCTCCTCCTCCGGCTGTGCGTGGGGGGAAACATTGTCGATCGTATATTTCCACAGCT-3'
Protein context (NP_060247.2, residues 269-289): SPHAQPEEEE[Arg279Gln]ERRVFKDLYG